The following is an entry in ClinVar:

ClinVar aggregate classification (germline): Uncertain significance. Review status: criteria provided, multiple submitters, no conflicts (2 of 4 stars). 3 submissions from 3 submitters: Uncertain significance (3). Last evaluated 2024-03-12.

Conditions:
Cenani-Lenz syndactyly syndrome. Also called: CENANI SYNDACTYLISM; SYNDACTYLY, TYPE VII. Identifiers: Orphanet 3258, MedGen C1859309, MONDO:0008931, OMIM 212780.
Congenital myasthenic syndrome 17. Identifiers: Orphanet 590, MedGen C4225377, MONDO:0014578, OMIM 616304.
Sclerosteosis 2 (SOST2). Identifiers: Orphanet 3152, MedGen C3280402, MONDO:0013679, OMIM 614305.

Allele frequency attached by ClinVar (database versions not stated): gnomAD 0.00001; TOPMed 0.00001; ExAC 0.00002; gnomAD exomes 0.00002.
gnomAD v4.1: 14 of 1,614,074 alleles (0.00087%); highest among the groups gnomAD compares: Admixed American, 0.0067%; no homozygotes.

Submissions (3):

Fulgent Genetics
Classification: Uncertain significance for Cenani-Lenz syndactyly syndrome; Sclerosteosis 2; Congenital myasthenic syndrome 17. Last evaluated: 2024-03-12. Review status: criteria provided, single submitter. Criteria: ACMG Guidelines, 2015. Collection method: clinical testing. Allele origin: germline.

Labcorp Genetics (formerly Invitae), Labcorp
Classification: Uncertain significance for Cenani-Lenz syndactyly syndrome; Sclerosteosis 2; Congenital myasthenic syndrome 17. Last evaluated: 2022-09-01. Review status: criteria provided, single submitter. Criteria: Invitae Variant Classification Sherloc (09022015). Collection method: clinical testing. Allele origin: germline.
Comment: This sequence change replaces valine, which is neutral and non-polar, with methionine, which is neutral and non-polar, at codon 865 of the LRP4 protein (p.Val865Met). This variant is present in population databases (rs765202931, gnomAD 0.01%). This variant has not been reported in the literature in individuals affected with LRP4-related conditions. ClinVar contains an entry for this variant (Variation ID: 1370059). Algorithms developed to predict the effect of missense changes on protein structure and function are either unavailable or do not agree on the potential impact of this missense change (SIFT: "Deleterious"; PolyPhen-2: "Probably Damaging"; Align-GVGD: "Class C15"). In summary, the available evidence is currently insufficient to determine the role of this variant in disease. Therefore, it has been classified as a Variant of Uncertain Significance.

Juno Genomics, Hangzhou Juno Genomics, Inc
Classification: Uncertain significance for Congenital myasthenic syndrome 17; Cenani-Lenz syndactyly syndrome; Sclerosteosis 2. Review status: criteria provided, single submitter. Criteria: ACMG Guidelines, 2015. Collection method: clinical testing. Allele origin: germline.
Comment: Absent from controls (or at extremely low frequency if recessive) in Genome Aggregation Database.;Missense variant in a gene that has a low rate of benign missense variation.;Multiple lines of computational evidence support a deleterious effect on the gene or gene product.

NM_002334.4(LRP4):c.2593G>A (p.Val865Met)

Gene: LRP4 (LDL receptor related protein 4; minus strand). Cytogenetic location: 11p11.2.
Variant type: single nucleotide variant.
Coding change: c.2593G>A on transcript NM_002334.4 (MANE Select); coding-DNA position 2593, G replaced by A.
Protein change: p.Val865Met; replaces valine 865 with methionine.
Molecular consequence: missense variant.
Genome position (GRCh38, 1-based): chr11:46,883,890, C>T on the plus strand (G>A on the coding strand, the complement: LRP4 is on the minus strand). VCF-style: chr11-46883890-C-T. GRCh37 (hg19) VCF-style: chr11-46905441-C-T.
Other names: short protein forms V865M.
Identifiers: ClinVar variation 1370059 (VCV001370059.9), dbSNP rs765202931, ClinGen allele CA5969851.